The following is an entry in ClinVar:

NM_004260.4(RECQL4):c.2661C>A (p.His887Gln)

Gene: RECQL4 (RecQ like helicase 4; minus strand). Cytogenetic location: 8q24.3.
Variant type: single nucleotide variant.
Coding change: c.2661C>A on transcript NM_004260.4 (MANE Select); coding-DNA position 2661, C replaced by A.
Protein change: p.His887Gln; replaces histidine 887 with glutamine.
Molecular consequence: missense variant.
Genome position (GRCh38, 1-based): chr8:144,512,941, G>T on the plus strand (C>A on the coding strand, the complement: RECQL4 is on the minus strand). VCF-style: chr8-144512941-G-T. GRCh37 (hg19) VCF-style: chr8-145738324-G-T.
Other names: short protein forms H887Q.
Identifiers: ClinVar variation 1060732 (VCV001060732.4), dbSNP rs2130670528, ClinGen allele CA372675530.
Genomic context (GRCh38, chr8:144,512,941, plus strand): 5'-CTGTATTGGGAGTGCCCGCTCATGGCCCATGCAGACCCTTCTGGGTCCTGGGGCTGCTTG[G>T]TGGCTAAGCTGCTCAGCCTCTTGAGGGGGGTACTTGGGCACAGGCCTCTCCCCACCCACG-3'
Protein context (NP_004251.4, residues 877-897): YPPQEAEQLS[His887Gln]QAAPGPRRVC

ClinVar aggregate classification (germline): Uncertain significance (1 of 4 stars; one submission).

Conditions:
Baller-Gerold syndrome (BGS). Also called: CRANIOSYNOSTOSIS WITH RADIAL DEFECTS. Identifiers: Orphanet 1225, MedGen C0265308, MONDO:0009039, OMIM 218600.

Submission:

Labcorp Genetics (formerly Invitae), Labcorp
Classification: Uncertain significance for Baller-Gerold syndrome. Last evaluated: 2024-05-05. Review status: criteria provided, single submitter. Criteria: Invitae Variant Classification Sherloc (09022015). Collection method: clinical testing. Allele origin: germline.
Comment: This sequence change replaces histidine, which is basic and polar, with glutamine, which is neutral and polar, at codon 887 of the RECQL4 protein (p.His887Gln). This variant is not present in population databases (gnomAD no frequency). This variant has not been reported in the literature in individuals affected with RECQL4-related conditions. ClinVar contains an entry for this variant (Variation ID: 1060732). Advanced modeling of protein sequence and biophysical properties (such as structural, functional, and spatial information, amino acid conservation, physicochemical variation, residue mobility, and thermodynamic stability) performed at Invitae indicates that this missense variant is not expected to disrupt RECQL4 protein function with a negative predictive value of 80%. In summary, the available evidence is currently insufficient to determine the role of this variant in disease. Therefore, it has been classified as a Variant of Uncertain Significance.